The following is an entry in ClinVar:

NM_000063.6(C2):c.929A>G (p.Asn310Ser)

Genes: C2 (complement C2; plus strand), C2-AS1 (C2 antisense RNA 1; minus strand). Cytogenetic location: 6p21.33.
Variant type: single nucleotide variant.
Coding change: c.929A>G on transcript NM_000063.6 (MANE Select); coding-DNA position 929, A replaced by G.
Protein change: p.Asn310Ser; replaces asparagine 310 with serine.
Molecular consequence: missense variant. On other transcripts: intron variant (1).
Genome position (GRCh38, 1-based): chr6:31,936,002, A>G. VCF-style: chr6-31936002-A-G. GRCh37 (hg19) VCF-style: chr6-31903779-A-G.
Other names: c.533A>G, p.Asn178Ser (NM_001145903.3); c.191A>G, p.Asn64Ser (NM_001282457.2); c.842A>G, p.Asn281Ser (NM_001282458.2); c.347-1317A>G (NM_001178063.3); short protein forms N178S, N64S, N281S, N310S.
Identifiers: ClinVar variation 907958 (VCV000907958.8), dbSNP rs144201432, ClinGen allele CA3727570.

ClinVar aggregate classification (germline): Conflicting classifications of pathogenicity. Review status: criteria provided, conflicting classifications (1 of 4 stars). 4 submissions from 3 submitters: Uncertain significance (3); Likely benign (1). Last evaluated 2024-11-21.

Conditions:
Age related macular degeneration 14. Also called: MACULAR DEGENERATION, AGE-RELATED, 14, REDUCED RISK OF. Identifiers: MedGen C3809653, MONDO:0014207, OMIM 615489.
Complement component 2 deficiency (C2D). Also called: C2 deficiency. Identifiers: MedGen C0398756, MONDO:0009006, OMIM 217000.

Allele frequency attached by ClinVar (database versions not stated): 1000 Genomes Project 30x 0.00031; gnomAD 0.00031 and 0.00034; TOPMed 0.00037; 1000 Genomes Project 0.00040; gnomAD exomes 0.00048 and 0.00056; ESP Exome Variant Server 0.00059; ExAC 0.00061.
gnomAD v4.1: 754 of 1,613,058 alleles (0.047%); highest among the groups gnomAD compares: Admixed American, 0.087%; 3 homozygotes.

Submissions (4):

Blueprint Genetics
Classification: Likely benign. Last evaluated: 2024-11-21. Review status: criteria provided, single submitter. Criteria: ACMG Guidelines, 2015. Collection method: clinical testing. Allele origin: germline.

Labcorp Genetics (formerly Invitae), Labcorp
Classification: Uncertain significance. Last evaluated: 2022-09-07. Review status: criteria provided, single submitter. Criteria: Invitae Variant Classification Sherloc (09022015). Collection method: clinical testing. Allele origin: germline.
Comment: This sequence change replaces asparagine, which is neutral and polar, with serine, which is neutral and polar, at codon 310 of the C2 protein (p.Asn310Ser). This variant is present in population databases (rs144201432, gnomAD 0.1%), and has an allele count higher than expected for a pathogenic variant. This variant has not been reported in the literature in individuals affected with C2-related conditions. ClinVar contains an entry for this variant (Variation ID: 907958). Algorithms developed to predict the effect of missense changes on protein structure and function (SIFT, PolyPhen-2, Align-GVGD) all suggest that this variant is likely to be tolerated. In summary, the available evidence is currently insufficient to determine the role of this variant in disease. Therefore, it has been classified as a Variant of Uncertain Significance.

Illumina Laboratory Services, Illumina
Classification: Uncertain significance for Age related macular degeneration 14. Last evaluated: 2017-04-27. Review status: criteria provided, single submitter. Criteria: ICSL Variant Classification Criteria 13 December 2019. Collection method: clinical testing. Allele origin: germline.

Illumina Laboratory Services, Illumina
Classification: Uncertain significance for Complement component 2 deficiency. Last evaluated: 2017-04-27. Review status: criteria provided, single submitter. Criteria: ICSL Variant Classification Criteria 13 December 2019. Collection method: clinical testing. Allele origin: germline.